The following is an entry in ClinVar:

ClinVar aggregate classification (germline): Pathogenic (1 of 4 stars; one submission).

Submission:

Labcorp Genetics (formerly Invitae), Labcorp
Classification: Pathogenic. Last evaluated: 2023-04-14. Review status: criteria provided, single submitter. Criteria: Invitae Variant Classification Sherloc (09022015). Collection method: clinical testing. Allele origin: germline.
Comment: For these reasons, this variant has been classified as Pathogenic. This variant has not been reported in the literature in individuals affected with CC2D1A-related conditions. This variant is not present in population databases (gnomAD no frequency). This sequence change creates a premature translational stop signal (p.Glu106Glyfs*4) in the CC2D1A gene. It is expected to result in an absent or disrupted protein product. Loss-of-function variants in CC2D1A are known to be pathogenic (PMID: 16033914).

Literature cited by the submitters: PubMed 16033914.

NM_017721.5(CC2D1A):c.316dup (p.Glu106fs)

Gene: CC2D1A (coiled-coil and C2 domain containing 1A; plus strand). Cytogenetic location: 19p13.12.
Variant type: Duplication.
Coding change: c.316dup on transcript NM_017721.5 (MANE Select); coding-DNA position 316, one base duplicated (G; older notation c.316dupG).
Protein change: p.Glu106fs; shifts the reading frame from glutamic acid 106.
Molecular consequence: frameshift variant.
Genome position (GRCh38, 1-based): chr19:13,912,531, G duplicated; the last of 2 consecutive G bases (chr19:13,912,530-13,912,531); duplicating either gives the same sequence. VCF-style (leftmost placement, unchanged base first): chr19-13912529-C-CG. GRCh37 (hg19) VCF-style: chr19-14023342-C-CG.
Other names: c.316dup, p.Glu106fs (NM_001411138.1); short protein forms E106fs.
Identifiers: ClinVar variation 2856036 (VCV002856036.3), dbSNP rs2513071430, ClinGen allele CA2739276586.